The following is an entry in ClinVar:

NM_000075.4(CDK4):c.455del (p.Gly152fs)

Gene: CDK4 (cyclin dependent kinase 4; minus strand). Cytogenetic location: 12q14.1.
Variant type: Deletion.
Coding change: c.455del on transcript NM_000075.4 (MANE Select); coding-DNA position 455, one base deleted (G; older notation c.455delG).
Protein change: p.Gly152fs; shifts the reading frame from glycine 152.
Molecular consequence: frameshift variant.
Genome position (GRCh38, 1-based): chr12:57,750,990, C deleted on the plus strand (G on the coding strand, the reverse complement: CDK4 is on the minus strand); the first of 2 consecutive C bases (chr12:57,750,990-57,750,991); deleting either gives the same sequence. VCF-style (leftmost placement, unchanged base first): chr12-57750989-TC-T. GRCh37 (hg19) VCF-style: chr12-58144772-TC-T.
Other names: short protein forms G152fs.
Identifiers: ClinVar variation 2566769 (VCV002566769.2), dbSNP rs2140386483, ClinGen allele CA2580616826.

ClinVar aggregate classification (germline): Uncertain significance (1 of 4 stars; one submission).

Conditions:
Hereditary cancer-predisposing syndrome. Also called: Hereditary neoplastic syndrome; Hereditary Cancer Syndrome; Neoplastic Syndromes, Hereditary; Tumor predisposition. Identifiers: Orphanet 140162, MedGen C0027672, MeSH D009386, MONDO:0015356.

Submission:

Ambry Genetics
Classification: Uncertain significance for Hereditary cancer-predisposing syndrome. Last evaluated: 2023-03-16. Review status: criteria provided, single submitter. Criteria: Ambry Variant Classification Scheme 2023. Collection method: clinical testing. Allele origin: germline.
Comment: The c.455delG variant, located in coding exon 3 of the CDK4 gene, results from a deletion of one nucleotide at nucleotide position 455, causing a translational frameshift with a predicted alternate stop codon (p.G152Efs*78). This alteration is expected to result in protein truncation or nonsense-mediated mRNA decay. However, loss of function of CDK4 has not been established as a mechanism of disease. Since supporting evidence is limited at this time, the clinical significance of this alteration remains unclear.